The following is an entry in ClinVar:

NM_018131.5(CEP55):c.190C>T (p.Arg64Ter)

Gene: CEP55 (centrosomal protein 55; plus strand). Cytogenetic location: 10q23.33.
Variant type: single nucleotide variant.
Coding change: c.190C>T on transcript NM_018131.5 (MANE Select); coding-DNA position 190, C replaced by T.
Protein change: p.Arg64Ter; replaces arginine 64 with a stop codon.
Molecular consequence: nonsense.
Genome position (GRCh38, 1-based): chr10:93,503,119, C>T. VCF-style: chr10-93503119-C-T. GRCh37 (hg19) VCF-style: chr10-95262876-C-T.
Other names: c.190C>T, p.Arg64Ter (NM_001127182.2); short protein forms R64*.
Identifiers: ClinVar variation 1065435 (VCV001065435.2), dbSNP rs146596670, ClinGen allele CA5608849.

ClinVar aggregate classification (germline): Pathogenic/Likely pathogenic. Review status: criteria provided, multiple submitters, no conflicts (2 of 4 stars). 2 submissions from 2 submitters: Pathogenic (1); Likely pathogenic (1). Last evaluated 2020-04-23.

Conditions:
Multinucleated neurons-anhydramnios-renal dysplasia-cerebellar hypoplasia-hydranencephaly syndrome. Also called: Hydranencephaly with renal aplasia-dysplasia. Identifiers: Orphanet 500135, MedGen C1856053, MONDO:0009359, OMIM 236500.

Allele frequency attached by ClinVar (database versions not stated): ESP Exome Variant Server 0.00008.
gnomAD v4.1: 15 of 1,610,228 alleles (0.00093%); highest among the groups gnomAD compares: South Asian, 0.0044%; no homozygotes.

Submissions (2):

Genomic Medicine Lab, University of California San Francisco
Classification: Likely pathogenic for Multinucleated neurons-anhydramnios-renal dysplasia-cerebellar hypoplasia-hydranencephaly syndrome. Last evaluated: 2020-04-23. Review status: criteria provided, single submitter. Criteria: ACMG Guidelines, 2015. Collection method: clinical testing. Allele origin: maternal. Inheritance: Autosomal recessive inheritance. Affected: yes. Study: CSER-P3EGS.

Kasturba Medical College, Manipal, Kasturba Medical College, Manipal, Manipal Academy of Higher Education, Manipal, India
Classification: Pathogenic for Multinucleated neurons-anhydramnios-renal dysplasia-cerebellar hypoplasia-hydranencephaly syndrome. Review status: criteria provided, single submitter. Criteria: ACMG Guidelines, 2015. Collection method: clinical testing. Allele origin: biparental. Inheritance: Autosomal recessive inheritance. Observed: 1 homozygote.
Comment: In-silico tools (CADD, GERP and Mutation Taster) predict the variant to be disease causing, resulting in the formation of truncating or non-functional protein.